The following is an entry in ClinVar:

ClinVar aggregate classification (germline): Pathogenic (1 of 4 stars; one submission).

Submission:

Medical Genetic Center, Changzhi Maternal and Child Health Care Hospital
Classification: Pathogenic. Last evaluated: 2025-12-10. Review status: criteria provided, single submitter. Criteria: ACMG/ClinGen CNV Guidelines, 2019. Collection method: clinical testing. Allele origin: unknown.
Comment: 2A:17q12 recurrent (RCAD syndrome) region (includes HNF1B)

GRCh38/hg38 17q12(chr17:36466620-38254527)x1

Genes: AATF (apoptosis antagonizing transcription factor; plus strand), ACACA (acetyl-CoA carboxylase alpha; minus strand), C17orf78 (chromosome 17 open reading frame 78; plus strand), DDX52 (DExD-box helicase 52; minus strand), DHRS11 (dehydrogenase/reductase 11; plus strand) and 36 more. Cytogenetic location: 17q12.
Variant type: copy number loss.
Change: copy number 1 (one copy instead of two) of chr17:36,466,620-38,254,527 (1.79 Mb, GRCh38 coordinates, 1-based), cytogenetic band 17q12.
Identifiers: ClinVar variation 4796182 (VCV004796182.1).